The following is an entry in ClinVar:

NM_000548.5(TSC2):c.1070del (p.Ala357fs)

Gene: TSC2 (TSC complex subunit 2; plus strand). Cytogenetic location: 16p13.3.
Variant type: Deletion.
Coding change: c.1070del on transcript NM_000548.5 (MANE Select); coding-DNA position 1070, one base deleted (C; older notation c.1070delC).
Protein change: p.Ala357fs; shifts the reading frame from alanine 357.
Molecular consequence: frameshift variant. On other transcripts: 5 prime UTR variant (10), non-coding transcript variant (5).
Genome position (GRCh38, 1-based): chr16:2,060,764, C deleted. VCF-style (leftmost placement, unchanged base first): chr16-2060763-GC-G. GRCh37 (hg19) VCF-style: chr16-2110764-GC-G.
Other names: c.1058del, p.Ala353fs (NM_001406671.1, NM_001406673.1); c.923del, p.Ala308fs (NM_001406675.1, NM_001406676.1, NM_001406679.1 and 1 more transcripts); c.1013del, p.Ala338fs (NM_001406677.1); c.959del, p.Ala320fs (NM_001406678.1, NM_001318827.2, NM_001406670.1); c.470del, p.Ala157fs (NM_001406680.1, NM_001406682.1, NM_001406683.1 and 6 more transcripts); c.608del, p.Ala203fs (NM_001406681.1); c.-362del (NM_001406689.1, NM_001406690.1, NM_001406691.1 and 4 more transcripts); c.1070del, p.Ala357fs (NM_001077183.3, NM_001114382.3, NM_001363528.2 and 6 more transcripts); and 4 more; short protein forms A203fs, A338fs, A353fs, A320fs, A387fs, A157fs, A368fs, A308fs.
Identifiers: ClinVar variation 4725427 (VCV004725427.1).

ClinVar aggregate classification (germline): Pathogenic (1 of 4 stars; one submission).

Conditions:
Tuberous sclerosis 2 (TSC2). Identifiers: Orphanet 805, MedGen C1860707, MONDO:0013199, OMIM 613254.

Submission:

Labcorp Genetics (formerly Invitae), Labcorp
Classification: Pathogenic for Tuberous sclerosis 2. Last evaluated: 2025-08-14. Review status: criteria provided, single submitter. Criteria: Invitae Variant Classification Sherloc (09022015). Collection method: clinical testing. Allele origin: germline.
Comment: This sequence change creates a premature translational stop signal (p.Ala357Glyfs*6) in the TSC2 gene. It is expected to result in an absent or disrupted protein product. Loss-of-function variants in TSC2 are known to be pathogenic (PMID: 10205261, 17304050). This variant is not present in population databases (gnomAD no frequency). This variant has not been reported in the literature in individuals affected with TSC2-related conditions. Algorithms developed to predict the effect of sequence changes on RNA splicing suggest that this variant may disrupt the consensus splice site. For these reasons, this variant has been classified as Pathogenic.

Literature cited by the submitters: PubMed 10205261; PubMed 17304050.